The following is an entry in ClinVar:

NM_001458.5(FLNC):c.6005G>T (p.Gly2002Val)

Genes: FLNC-AS1 (FLNC antisense RNA 1; minus strand), FLNC (filamin C; plus strand). Cytogenetic location: 7q32.1.
Variant type: single nucleotide variant.
Coding change: c.6005G>T on transcript NM_001458.5 (MANE Select); coding-DNA position 6005, G replaced by T.
Protein change: p.Gly2002Val; replaces glycine 2002 with valine.
Molecular consequence: missense variant.
Genome position (GRCh38, 1-based): chr7:128,852,828, G>T. VCF-style: chr7-128852828-G-T. GRCh37 (hg19) VCF-style: chr7-128492882-G-T.
Other names: c.5906G>T, p.Gly1969Val (NM_001127487.2); short protein forms G2002V, G1969V.
Identifiers: ClinVar variation 573927 (VCV000573927.3), dbSNP rs747796553, ClinGen allele CA4475869.
Genomic context (GRCh38, chr7:128,852,828, plus strand): 5'-CACGGGGACCTCAGGGGTGGGGGCCCACAGGATGCTCTGCCTAACACCCACTTTCCACAG[G>T]GATCTCCTTCACCCCCAAGGAGGTCGGGGAGCACGTGGTGAGCGTGCGCAAGAGTGGCAA-3'
Protein context (NP_001449.3, residues 1992-2012): LLKRLPNRHI[Gly2002Val]ISFTPKEVGE

ClinVar aggregate classification (germline): Uncertain significance. Review status: criteria provided, multiple submitters, no conflicts (2 of 4 stars). 3 submissions from 3 submitters: Uncertain significance (3). Last evaluated 2026-07-22.

Conditions:
Dilated Cardiomyopathy, Dominant.
Myofibrillar myopathy 5. Also called: Filaminopathy (type); FILAMINOPATHY, AUTOSOMAL DOMINANT. Identifiers: Orphanet 171445, MedGen C1836050, MONDO:0012289, OMIM 609524.
Distal myopathy with posterior leg and anterior hand involvement. Also called: WILLIAMS DISTAL MYOPATHY. Identifiers: Orphanet 63273, MedGen C3279722, MONDO:0013550, OMIM 614065.
Hypertrophic cardiomyopathy 26. Also called: Cardiomyopathy, familial hypertrophic, 26. Identifiers: Orphanet 75249, MedGen C4310749, MONDO:0014883, OMIM 617047.
Cardiovascular phenotype. Identifiers: MedGen CN230736.

Allele frequency attached by ClinVar (database versions not stated): TOPMed 0.00001; gnomAD exomes 0.00003; ExAC 0.00007; gnomAD 0.00008 and 0.00009.
gnomAD v4.1: 33 of 1,613,728 alleles (0.002%); highest among the groups gnomAD compares: Non-Finnish European, 0.00017%; no homozygotes.

Submissions (3):

Ambry Genetics
Classification: Uncertain significance for Cardiovascular phenotype. Last evaluated: 2026-07-22. Review status: criteria provided, single submitter. Criteria: Ambry Variant Classification Scheme 2023. Collection method: clinical testing. Allele origin: germline.
Comment: Thep.G2002V variant (also known as c.6005G>T), located in coding exon 37 of the FLNC gene, results from a G to T substitution at nucleotide position 6005. This variant impacts the first base pair of coding exon 37. The glycine at codon 2002 is replaced by valine, an amino acid with dissimilar properties. This variant was reported in individual(s) with features consistent with hypertrophic cardiomyopathy (Ambry internal data). This amino acid position is highly conserved in available vertebrate species. In addition, this alteration is predicted to be deleterious by in silico analysis. Based on the available evidence, the clinical significance of this variant remains unclear.

Blueprint Genetics
Classification: Uncertain significance. Last evaluated: 2023-05-25. Review status: criteria provided, single submitter. Criteria: ACMG Guidelines, 2015. Collection method: clinical testing. Allele origin: germline.

Labcorp Genetics (formerly Invitae), Labcorp
Classification: Uncertain significance for Myopathy, distal, 4; Dilated Cardiomyopathy, Dominant; Myofibrillar myopathy, filamin C-related; Cardiomyopathy, familial hypertrophic, 26. Last evaluated: 2018-01-17. Review status: criteria provided, single submitter. Criteria: Invitae Variant Classification Sherloc (09022015). Collection method: clinical testing. Allele origin: germline.
Comment: This sequence change replaces glycine with valine at codon 2002 of the FLNC protein (p.Gly2002Val). The glycine residue is highly conserved and there is a moderate physicochemical difference between glycine and valine. This variant is present in population databases (rs747796553, ExAC 0.1%). This variant has not been reported in the literature in individuals with FLNC-related disease. Algorithms developed to predict the effect of missense changes on protein structure and function do not agree on the potential impact of this missense change (SIFT: "Deleterious"; PolyPhen-2: "Probably Damaging"; Align-GVGD: "Class C0"). Algorithms developed to predict the effect of sequence changes on RNA splicing suggest that this variant may disrupt the consensus splice site, but this prediction has not been confirmed by published transcriptional studies. In summary, the available evidence is currently insufficient to determine the role of this variant in disease. Therefore, it has been classified as a Variant of Uncertain Significance.